The following is an entry in ClinVar:

ClinVar aggregate classification (germline): Uncertain significance (1 of 4 stars; one submission).

Conditions:
Renal carnitine transport defect (CDSP). Also called: Carnitine transporter deficiency; Systemic primary carnitine deficiency disease; Primary carnitine deficiency; CARNITINE DEFICIENCY, SYSTEMIC, DUE TO DEFECT IN RENAL REABSORPTION OF CARNITINE; CARNITINE TRANSPORTER, PLASMA-MEMBRANE, DEFICIENCY OF; CARNITINE UPTAKE DEFECT. Identifiers: Orphanet 158, MedGen C0342788, MONDO:0008919, OMIM 212140.

Submission:

Labcorp Genetics (formerly Invitae), Labcorp
Classification: Uncertain significance for Renal carnitine transport defect. Last evaluated: 2024-02-08. Review status: criteria provided, single submitter. Criteria: Invitae Variant Classification Sherloc (09022015). Collection method: clinical testing. Allele origin: germline.
Comment: This variant, c.687_689del, results in the deletion of 1 amino acid(s) of the SLC22A5 protein (p.Phe230del), but otherwise preserves the integrity of the reading frame. This variant is not present in population databases (gnomAD no frequency). This variant has not been reported in the literature in individuals affected with SLC22A5-related conditions. ClinVar contains an entry for this variant (Variation ID: 579832). Experimental studies and prediction algorithms are not available or were not evaluated, and the functional significance of this variant is currently unknown. This variant disrupts the p.Phe230 amino acid residue in SLC22A5. Other variant(s) that disrupt this residue have been observed in individuals with SLC22A5-related conditions (PMID: 20574985; Invitae), which suggests that this may be a clinically significant amino acid residue. In summary, the available evidence is currently insufficient to determine the role of this variant in disease. Therefore, it has been classified as a Variant of Uncertain Significance.

Literature cited by the submitters: PubMed 20574985.

NM_003060.4(SLC22A5):c.687_689del (p.Phe230del)

Gene: SLC22A5 (solute carrier family 22 member 5; plus strand). Cytogenetic location: 5q31.1.
Variant type: Deletion.
Coding change: c.687_689del on transcript NM_003060.4 (MANE Select); coding-DNA positions 687 to 689, 3 bases deleted (ATT; older notation c.687_689delATT).
Protein change: p.Phe230del; deletes phenylalanine 230.
Molecular consequence: inframe deletion.
Genome position (GRCh38, 1-based): chr5:132,385,362-132,385,364, ATT deleted; deleting any 3 consecutive bases within chr5:132,385,361-132,385,364 gives the same sequence; the c. name uses the placement nearest the transcript's 3' end. VCF-style (leftmost placement, unchanged base first): chr5-132385360-ATAT-A. GRCh37 (hg19) VCF-style: chr5-131721052-ATAT-A.
Other names: c.759_761del, p.Phe254del (NM_001308122.2); short protein forms F230del, F254del.
Identifiers: ClinVar variation 579832 (VCV000579832.8), dbSNP rs1173523095, ClinGen allele CA803966705.
Genomic context (GRCh38, chr5:132,385,360, plus strand): 5'-CTAACTCGACCTCCCTTGTTTTGAACAGGGACAGAAATTCTTGGCAAGTCAGTTCGTATA[ATAT>A]TCTCTACGTTAGGAGTGTGCATATTTTATGCATTTGGCTACATGGTGCTGCCACTGTTTG-3'